The following is an entry in ClinVar:

NM_001378778.1(MPDZ):c.3805C>T (p.Pro1269Ser)

Gene: MPDZ (multiple PDZ domain crumbs cell polarity complex component; minus strand). Cytogenetic location: 9p23.
Variant type: single nucleotide variant.
Coding change: c.3805C>T on transcript NM_001378778.1 (MANE Select); coding-DNA position 3805, C replaced by T.
Protein change: p.Pro1269Ser; replaces proline 1269 with serine.
Molecular consequence: missense variant. On other transcripts: intron variant (14).
Genome position (GRCh38, 1-based): chr9:13,143,501, G>A on the plus strand (C>T on the coding strand, the complement: MPDZ is on the minus strand). VCF-style: chr9-13143501-G-A. GRCh37 (hg19) VCF-style: chr9-13143500-G-A.
Other names: c.3805C>T, p.Pro1269Ser (NM_001330637.2, NM_001375413.1, NM_003829.5); c.3631-3352C>T (NM_001375425.1, NM_001375420.1, NM_001375423.1 and 4 more transcripts); c.3742-3352C>T (NM_001375419.1, NM_001375416.1, NM_001375418.1 and 3 more transcripts); c.3433-3352C>T (NM_001375427.1); short protein forms P1269S.
Identifiers: ClinVar variation 1952914 (VCV001952914.5), dbSNP rs923105166, ClinGen allele CA189304154.

ClinVar aggregate classification (germline): Uncertain significance (1 of 4 stars; one submission).

Allele frequency attached by ClinVar (database versions not stated): TOPMed below 0.00001.
gnomAD v4.1: 1 of 1,613,074 alleles (0.000062%); highest among the groups gnomAD compares: African/African-American, 0.0013%; no homozygotes.

Submission:

Labcorp Genetics (formerly Invitae), Labcorp
Classification: Uncertain significance. Last evaluated: 2022-01-22. Review status: criteria provided, single submitter. Criteria: Invitae Variant Classification Sherloc (09022015). Collection method: clinical testing. Allele origin: germline.
Comment: This sequence change replaces proline, which is neutral and non-polar, with serine, which is neutral and polar, at codon 1269 of the MPDZ protein (p.Pro1269Ser). This variant is not present in population databases (gnomAD no frequency). In summary, the available evidence is currently insufficient to determine the role of this variant in disease. Therefore, it has been classified as a Variant of Uncertain Significance. Algorithms developed to predict the effect of missense changes on protein structure and function (SIFT, PolyPhen-2, Align-GVGD) all suggest that this variant is likely to be disruptive. This variant has not been reported in the literature in individuals affected with MPDZ-related conditions.